The following is an entry in ClinVar:

NM_021008.4(DEAF1):c.1140C>T (p.Ser380=)

Gene: DEAF1 (DEAF1 transcription factor; minus strand). Cytogenetic location: 11p15.5.
Variant type: single nucleotide variant.
Coding change: c.1140C>T on transcript NM_021008.4 (MANE Select); coding-DNA position 1140, C replaced by T.
Protein change: p.Ser380=; no amino-acid change (serine 380 retained).
Molecular consequence: synonymous variant.
Genome position (GRCh38, 1-based): chr11:678,809, G>A on the plus strand (C>T on the coding strand, the complement: DEAF1 is on the minus strand). VCF-style: chr11-678809-G-A. GRCh37 (hg19) VCF-style: chr11-678809-G-A.
Other names: c.414C>T, p.Ser138= (NM_001367390.1); c.873C>T, p.Ser291= (NM_001293634.2); c.1140C>T (NM_021008.3).
Identifiers: ClinVar variation 1545860 (VCV001545860.9), dbSNP rs576550488, ClinGen allele CA5786294.
Genomic context (GRCh38, chr11:678,809, plus strand): 5'-GCTGTCCTGATAGCCGGGGTAGTGAGGCTCAGGGTGGCTGGCCCTGCATGGGGGCTGCAC[G>A]CTGGCCTCTTGGACTGTTGGGGAGAAAAAGGACAGGGAGGCTCGGGATGGTTGTCCGCAC-3'
Protein context (NP_066288.2, residues 370-390): VFAGATVQEA[Ser380=]VQPPCRASHP

ClinVar aggregate classification (germline): Likely benign. Review status: criteria provided, multiple submitters, no conflicts (2 of 4 stars). 2 submissions from 2 submitters: Likely benign (2). Last evaluated 2025-11-05.

Conditions:
DEAF1-related disorder.

Allele frequency attached by ClinVar (database versions not stated): gnomAD exomes 0.00003 and 0.00007; gnomAD 0.00004 and 0.00007; TOPMed 0.00005; ExAC 0.00009; 1000 Genomes Project 30x 0.00016; 1000 Genomes Project 0.00020.
gnomAD v4.1: 57 of 1,614,062 alleles (0.0035%); highest among the groups gnomAD compares: East Asian, 0.071%; no homozygotes.

Submissions (2):

Labcorp Genetics (formerly Invitae), Labcorp
Classification: Likely benign. Last evaluated: 2025-11-05. Review status: criteria provided, single submitter. Criteria: Invitae Variant Classification Sherloc (09022015). Collection method: clinical testing. Allele origin: germline.

PreventionGenetics, part of Exact Sciences
Classification: Likely benign for DEAF1-related condition. Last evaluated: 2025-03-06. Review status: criteria provided, single submitter. Criteria: ACMG Guidelines, 2015. Collection method: clinical testing. Allele origin: germline.
Comment: This variant is classified as likely benign based on ACMG/AMP sequence variant interpretation guidelines (Richards et al. 2015 PMID: 25741868, with internal and published modifications).